The following is an entry in ClinVar:

ClinVar aggregate classification (germline): Uncertain significance. Review status: criteria provided, multiple submitters, no conflicts (2 of 4 stars). 3 submissions from 3 submitters: Uncertain significance (3). Last evaluated 2026-02-27.

Conditions:
PCNT-related disorder. Also called: PCNT-related condition.
Inborn genetic diseases. Identifiers: MedGen C0950123, MeSH D030342.
Microcephalic osteodysplastic primordial dwarfism type II (MOPD2). Also called: Microcephalic osteodysplastic primordial dwarfism with tooth abnormalities; MOPD II; OSTEODYSPLASTIC PRIMORDIAL DWARFISM, TYPE II. Identifiers: Orphanet 2637, MedGen C0432246, MONDO:0008872, OMIM 210720.

Allele frequency attached by ClinVar (database versions not stated): gnomAD exomes below 0.00001 and 0.00001; gnomAD 0.00001; TOPMed 0.00001; ExAC 0.00002.
gnomAD v4.1: 7 of 1,605,376 alleles (0.00044%); highest among the groups gnomAD compares: Middle Eastern, 0.049%; no homozygotes.

Submissions (3):

PreventionGenetics, part of Exact Sciences
Classification: Uncertain significance for PCNT-related condition. Last evaluated: 2026-02-27. Review status: criteria provided, single submitter. Criteria: ACMG Guidelines, 2015. Collection method: clinical testing. Allele origin: germline.
Comment: The PCNT c.1064A>G variant is predicted to result in the amino acid substitution p.Asp355Gly. To our knowledge, this variant has not been reported in the literature. This variant is reported in 0.0028% of alleles in individuals of Latino descent in gnomAD. At this time, the clinical significance of this variant is uncertain due to the absence of conclusive functional and genetic evidence.

Ambry Genetics
Classification: Uncertain significance for Inborn genetic diseases. Last evaluated: 2026-02-23. Review status: criteria provided, single submitter. Criteria: Ambry Variant Classification Scheme 2023. Collection method: clinical testing. Allele origin: germline.
Comment: The c.1064A>G (p.D355G) alteration is located in exon 7 (coding exon 7) of the PCNT gene. This alteration results from a A to G substitution at nucleotide position 1064, causing the aspartic acid (D) at amino acid position 355 to be replaced by a glycine (G). Based on data from gnomAD, the G allele has an overall frequency of 0.001% (4/282066) total alleles studied. The highest observed frequency was 0.014% (1/7194) of Other alleles. Based on insufficient or conflicting evidence, the clinical significance of this alteration remains unclear.

Illumina Laboratory Services, Illumina
Classification: Uncertain significance for Microcephalic osteodysplastic primordial dwarfism type II. Last evaluated: 2018-01-13. Review status: criteria provided, single submitter. Criteria: ICSL Variant Classification Criteria 13 December 2019. Collection method: clinical testing. Allele origin: germline.

NM_006031.6(PCNT):c.1064A>G (p.Asp355Gly)

Gene: PCNT (pericentrin; plus strand). Cytogenetic location: 21q22.3.
Variant type: single nucleotide variant.
Coding change: c.1064A>G on transcript NM_006031.6 (MANE Select); coding-DNA position 1064, A replaced by G.
Protein change: p.Asp355Gly; replaces aspartic acid 355 with glycine.
Molecular consequence: missense variant.
Genome position (GRCh38, 1-based): chr21:46,349,043, A>G. VCF-style: chr21-46349043-A-G. GRCh37 (hg19) VCF-style: chr21-47768957-A-G.
Other names: c.710A>G, p.Asp237Gly (NM_001315529.2); short protein forms D237G, D355G.
Identifiers: ClinVar variation 895341 (VCV000895341.6), dbSNP rs753659648, ClinGen allele CA10078506.